The following is an entry in ClinVar:

NM_000038.6(APC):c.2578C>G (p.Leu860Val)

Gene: APC (APC regulator of Wnt signaling pathway; plus strand). Cytogenetic location: 5q22.2.
Variant type: single nucleotide variant.
Coding change: c.2578C>G on transcript NM_000038.6 (MANE Select); coding-DNA position 2578, C replaced by G.
Protein change: p.Leu860Val; replaces leucine 860 with valine.
Molecular consequence: missense variant.
Genome position (GRCh38, 1-based): chr5:112,838,172, C>G. VCF-style: chr5-112838172-C-G. GRCh37 (hg19) VCF-style: chr5-112173869-C-G.
Other names: c.2578C>G, p.Leu860Val (NM_001127510.3, NM_001354895.2); c.2524C>G, p.Leu842Val (NM_001127511.3); c.2632C>G, p.Leu878Val (NM_001354896.2); c.2608C>G, p.Leu870Val (NM_001354897.2); c.2503C>G, p.Leu835Val (NM_001354898.2); c.2494C>G, p.Leu832Val (NM_001354899.2); c.2455C>G, p.Leu819Val (NM_001354900.2); c.2401C>G, p.Leu801Val (NM_001354901.2); and 5 more; short protein forms L577V, L700V, L734V, L759V, L769V, L801V, L819V, L832V.
Identifiers: ClinVar variation 999827 (VCV000999827.15), dbSNP rs1422929581, ClinGen allele CA16026980.
Genomic context (GRCh38, chr5:112,838,172, plus strand): 5'-AGCTTAGATAGTTCTCGTTCTGAAAAAGATAGAAGTTTGGAGAGAGAACGCGGAATTGGT[C>G]TAGGCAACTACCATCCAGCAACAGAAAATCCAGGAACTTCTTCAAAGCGAGGTTTGCAGA-3'
Protein context (NP_000029.2, residues 850-870): RSLERERGIG[Leu860Val]GNYHPATENP

ClinVar aggregate classification (germline): Uncertain significance. Review status: criteria provided, multiple submitters, no conflicts (2 of 4 stars). 4 submissions from 4 submitters: Uncertain significance (4). Last evaluated 2024-08-13.

Conditions:
Hereditary cancer-predisposing syndrome. Also called: Neoplastic Syndromes, Hereditary; Tumor predisposition; Hereditary Cancer Syndrome; Hereditary neoplastic syndrome. Identifiers: Orphanet 140162, MedGen C0027672, MeSH D009386, MONDO:0015356.
Familial adenomatous polyposis 1 (FAP1). Also called: FAMILIAL ADENOMATOUS POLYPOSIS 1, ATTENUATED; POLYPOSIS, ADENOMATOUS INTESTINAL. Identifiers: MedGen C2713442, MONDO:0021056, OMIM 175100. Disease mechanism: loss of function.

Allele frequency attached by ClinVar (database versions not stated): gnomAD exomes below 0.00001.
gnomAD v4.1: 2 of 1,614,168 alleles (0.00012%); highest among the groups gnomAD compares: South Asian, 0.0022%; no homozygotes.

Submissions (4):

Labcorp Genetics (formerly Invitae), Labcorp
Classification: Uncertain significance for Familial adenomatous polyposis 1. Last evaluated: 2024-08-13. Review status: criteria provided, single submitter. Criteria: Invitae Variant Classification Sherloc (09022015). Collection method: clinical testing. Allele origin: germline.
Comment: This sequence change replaces leucine, which is neutral and non-polar, with valine, which is neutral and non-polar, at codon 860 of the APC protein (p.Leu860Val). This variant is not present in population databases (gnomAD no frequency). This variant has not been reported in the literature in individuals affected with APC-related conditions. ClinVar contains an entry for this variant (Variation ID: 999827). Invitae Evidence Modeling of protein sequence and biophysical properties (such as structural, functional, and spatial information, amino acid conservation, physicochemical variation, residue mobility, and thermodynamic stability) indicates that this missense variant is not expected to disrupt APC protein function with a negative predictive value of 95%. In summary, the available evidence is currently insufficient to determine the role of this variant in disease. Therefore, it has been classified as a Variant of Uncertain Significance.

Ambry Genetics
Classification: Uncertain significance for Hereditary cancer-predisposing syndrome. Last evaluated: 2023-11-14. Review status: criteria provided, single submitter. Criteria: Ambry Variant Classification Scheme 2023. Collection method: clinical testing. Allele origin: germline.
Comment: The p.L860V variant (also known as c.2578C>G), located in coding exon 15 of the APC gene, results from a C to G substitution at nucleotide position 2578. The leucine at codon 860 is replaced by valine, an amino acid with highly similar properties. This amino acid position is well conserved in available vertebrate species. In addition, in silico predictors for this gene do not accurately predict pathogenicity. Since supporting evidence is limited at this time, the clinical significance of this alteration remains unclear.

Color Diagnostics, LLC DBA Color Health
Classification: Uncertain significance for Hereditary cancer-predisposing syndrome. Last evaluated: 2022-08-15. Review status: criteria provided, single submitter. Criteria: ACMG Guidelines, 2015. Collection method: clinical testing. Allele origin: germline.
Comment: This missense variant replaces leucine with valine at codon 860 of the APC protein. Computational prediction suggests that this variant may not impact protein structure and function (internally defined REVEL score threshold <= 0.5, PMID: 27666373). To our knowledge, functional studies have not been reported for this variant. This variant has not been reported in individuals affected with hereditary cancer in the literature. This variant has not been identified in the general population by the Genome Aggregation Database (gnomAD). The available evidence is insufficient to determine the role of this variant in disease conclusively. Therefore, this variant is classified as a Variant of Uncertain Significance.

GeneDx
Classification: Uncertain significance. Last evaluated: 2019-07-08. Review status: criteria provided, single submitter. Criteria: GeneDx Variant Classification Process June 2021. Collection method: clinical testing. Allele origin: germline. Affected: yes.
Comment: Not observed in large population cohorts (Lek et al., 2016); In silico analysis, which includes protein predictors and evolutionary conservation, supports that this variant does not alter protein structure/function; Has not been previously published as pathogenic or benign to our knowledge